The following is an entry in ClinVar:

NM_017755.6(NSUN2):c.1501G>A (p.Val501Met)

Gene: NSUN2 (NOP2/Sun RNA methyltransferase 2; minus strand). Cytogenetic location: 5p15.31.
Variant type: single nucleotide variant.
Coding change: c.1501G>A on transcript NM_017755.6 (MANE Select); coding-DNA position 1501, G replaced by A.
Protein change: p.Val501Met; replaces valine 501 with methionine.
Molecular consequence: missense variant. On other transcripts: non-coding transcript variant (1).
Genome position (GRCh38, 1-based): chr5:6,607,207, C>T on the plus strand (G>A on the coding strand, the complement: NSUN2 is on the minus strand). VCF-style: chr5-6607207-C-T. GRCh37 (hg19) VCF-style: chr5-6607320-C-T.
Other names: c.1396G>A, p.Val466Met (NM_001193455.2); short protein forms V466M, V501M.
Identifiers: ClinVar variation 3621630 (VCV003621630.2).

ClinVar aggregate classification (germline): Uncertain significance (1 of 4 stars; one submission).

gnomAD v4.1: 44 of 1,613,990 alleles (0.0027%); highest among the groups gnomAD compares: East Asian, 0.013%; no homozygotes.

Submission:

Labcorp Genetics (formerly Invitae), Labcorp
Classification: Uncertain significance. Last evaluated: 2024-03-07. Review status: criteria provided, single submitter. Criteria: Invitae Variant Classification Sherloc (09022015). Collection method: clinical testing. Allele origin: germline.
Comment: This sequence change replaces valine, which is neutral and non-polar, with methionine, which is neutral and non-polar, at codon 501 of the NSUN2 protein (p.Val501Met). This variant is present in population databases (rs376441708, gnomAD 0.004%). This variant has not been reported in the literature in individuals affected with NSUN2-related conditions. Advanced modeling of protein sequence and biophysical properties (such as structural, functional, and spatial information, amino acid conservation, physicochemical variation, residue mobility, and thermodynamic stability) performed at Invitae indicates that this missense variant is not expected to disrupt NSUN2 protein function with a negative predictive value of 80%. In summary, the available evidence is currently insufficient to determine the role of this variant in disease. Therefore, it has been classified as a Variant of Uncertain Significance.